The following is an entry in ClinVar:

ClinVar aggregate classification (germline): Uncertain significance (1 of 4 stars; one submission).

Conditions:
Inborn genetic diseases. Identifiers: MedGen C0950123, MeSH D030342.

Submission:

Ambry Genetics
Classification: Uncertain significance for Inborn genetic diseases. Last evaluated: 2021-05-24. Review status: criteria provided, single submitter. Criteria: Ambry Variant Classification Scheme 2023. Collection method: clinical testing. Allele origin: germline.
Comment: The c.2156+1delG alteration is located in Intron 3 (E) of the NLRP3 gene. This alteration consists of a deletion of 1 nucleotides at nucleotide position c.21561 Intron 3 (E). Based on insufficient or conflicting evidence, the clinical significance of this alteration remains unclear.

NM_001243133.2(NLRP3):c.2150+1del

Gene: NLRP3 (NLR family pyrin domain containing 3; plus strand). Cytogenetic location: 1q44.
Variant type: Deletion.
Coding change: c.2150+1del on transcript NM_001243133.2 (MANE Select); the canonical splice donor site of the intron after coding-DNA position 2150, one base deleted (G; older notation c.2150+1delG).
Molecular consequence: splice donor variant.
Genome position (GRCh38, 1-based): chr1:247,425,600, G deleted; the last of 3 consecutive G bases (chr1:247,425,598-247,425,600); deleting any one gives the same sequence. VCF-style (leftmost placement, unchanged base first): chr1-247425597-TG-T. GRCh37 (hg19) VCF-style: chr1-247588899-TG-T.
Other names: c.2156+1del (NM_004895.5); c.2150+1del (NM_001127461.3, NM_001127462.3, NM_183395.3 and 1 more transcripts).
Identifiers: ClinVar variation 2230712 (VCV002230712.2), dbSNP rs777967394, ClinGen allele CA1495122.
Genomic context (GRCh38, chr1:247,425,597, plus strand): 5'-CCGACACCTTGATATGGTGCAGTGTGTCCTCCCAAGCTCCTCTCATGCTGCCTGTTCTCA[TG>T]GGTAAGGAAACTCGGCTTCCAGGTGCTTCCTCCTGCTTCCTCGCCAGCTTCTTCTTGGCG-3'